The following is an entry in ClinVar:

ClinVar aggregate classification (germline): Pathogenic (1 of 4 stars; one submission).

Submission:

Labcorp Genetics (formerly Invitae), Labcorp
Classification: Pathogenic. Last evaluated: 2024-06-16. Review status: criteria provided, single submitter. Criteria: Invitae Variant Classification Sherloc (09022015). Collection method: clinical testing. Allele origin: germline.
Comment: This sequence change creates a premature translational stop signal (p.Met142Alafs*154) in the ZNF341 gene. It is expected to result in an absent or disrupted protein product. Loss-of-function variants in ZNF341 are known to be pathogenic (PMID: 29907690, 29907691). This variant is present in population databases (rs755166219, gnomAD 0.01%). This variant has not been reported in the literature in individuals affected with ZNF341-related conditions. For these reasons, this variant has been classified as Pathogenic.

Literature cited by the submitters: PubMed 29907690; PubMed 29907691.

NM_001282933.2(ZNF341):c.419_422dup (p.Met142fs)

Gene: ZNF341 (zinc finger protein 341; plus strand). Cytogenetic location: 20q11.22.
Variant type: Duplication.
Coding change: c.419_422dup on transcript NM_001282933.2 (MANE Select); coding-DNA positions 419 to 422, 4 bases duplicated (TGCT; older notation c.419_422dupTGCT).
Protein change: p.Met142fs; shifts the reading frame from methionine 142.
Molecular consequence: frameshift variant. On other transcripts: non-coding transcript variant (1).
Genome position (GRCh38, 1-based): chr20:33,749,002-33,749,005, TGCT duplicated. VCF-style (leftmost placement, unchanged base first): chr20-33749001-G-GTGCT. GRCh37 (hg19) VCF-style: chr20-32336807-G-GTGCT.
Other names: c.149_152dup, p.Met52fs (NM_001282935.2); c.419_422dup, p.Met142fs (NM_032819.5); short protein forms M142fs, M52fs.
Identifiers: ClinVar variation 3606413 (VCV003606413.2).
Genomic context (GRCh38, chr20:33,749,001, plus strand): 5'-GTGCCCCCGTCCCCACTGATCCAGACCCTGGTGCAGGGGAACATCTTGGTGAGCGATGAT[G>GTGCT]TGCTCATGTCTGCCATGTCAGCCTTCACATCCCTGGACCAGCCCATGCCCCAGGGCCCCC-3'